The following is an entry in ClinVar:

NM_000297.4(PKD2):c.992G>T (p.Cys331Phe)

Gene: PKD2 (polycystin 2, transient receptor potential cation channel; plus strand). Cytogenetic location: 4q22.1.
Variant type: single nucleotide variant.
Coding change: c.992G>T on transcript NM_000297.4 (MANE Select); coding-DNA position 992, G replaced by T.
Protein change: p.Cys331Phe; replaces cysteine 331 with phenylalanine.
Molecular consequence: missense variant. On other transcripts: non-coding transcript variant (1).
Genome position (GRCh38, 1-based): chr4:88,038,399, G>T. VCF-style: chr4-88038399-G-T. GRCh37 (hg19) VCF-style: chr4-88959551-G-T.
Other names: c.992G>T, p.Cys331Phe (NM_001440544.1); short protein forms C331F.
Identifiers: ClinVar variation 4088193 (VCV004088193.1).

ClinVar aggregate classification (germline): Likely pathogenic (1 of 4 stars; one submission).

Submission:

GeneDx
Classification: Likely pathogenic. Last evaluated: 2025-01-22. Review status: criteria provided, single submitter. Criteria: GeneDx Variant Classification Process June 2021. Collection method: clinical testing. Allele origin: germline. Affected: yes.
Comment: Not observed at significant frequency in large population cohorts (gnomAD); In silico analysis supports that this missense variant has a deleterious effect on protein structure/function; Has not been previously published as pathogenic or benign to our knowledge